The following is an entry in ClinVar:

NM_018180.3(DHX32):c.454T>C (p.Cys152Arg)

Gene: DHX32 (DEAH-box helicase 32 (putative); minus strand). Cytogenetic location: 10q26.2.
Variant type: single nucleotide variant.
Coding change: c.454T>C on transcript NM_018180.3 (MANE Select); coding-DNA position 454, T replaced by C.
Protein change: p.Cys152Arg; replaces cysteine 152 with arginine.
Molecular consequence: missense variant.
Genome position (GRCh38, 1-based): chr10:125,867,012, A>G on the plus strand (T>C on the coding strand, the complement: DHX32 is on the minus strand). VCF-style: chr10-125867012-A-G. GRCh37 (hg19) VCF-style: chr10-127555581-A-G.
Other names: short protein forms C152R.
Identifiers: ClinVar variation 4714187 (VCV004714187.1).

ClinVar aggregate classification (germline): Uncertain significance (1 of 4 stars; one submission).

Submission:

Labcorp Genetics (formerly Invitae), Labcorp
Classification: Uncertain significance. Last evaluated: 2025-03-02. Review status: criteria provided, single submitter. Criteria: Invitae Variant Classification Sherloc (09022015). Collection method: clinical testing. Allele origin: germline.
Comment: This sequence change replaces cysteine, which is neutral and slightly polar, with arginine, which is basic and polar, at codon 152 of the DHX32 protein (p.Cys152Arg). This variant is not present in population databases (gnomAD no frequency). This variant has not been reported in the literature in individuals affected with DHX32-related conditions. An algorithm developed to predict the effect of missense changes on protein structure and function (PolyPhen-2) suggests that this variant is likely to be disruptive. In summary, the available evidence is currently insufficient to determine the role of this variant in disease. Therefore, it has been classified as a Variant of Uncertain Significance.